The following is an entry in ClinVar:

NM_000392.5(ABCC2):c.1323G>A (p.Leu441=)

Gene: ABCC2 (ATP binding cassette subfamily C member 2; plus strand). Cytogenetic location: 10q24.2.
Variant type: single nucleotide variant.
Coding change: c.1323G>A on transcript NM_000392.5 (MANE Select); coding-DNA position 1323, G replaced by A.
Protein change: p.Leu441=; no amino-acid change (leucine 441 retained).
Molecular consequence: synonymous variant.
Genome position (GRCh38, 1-based): chr10:99,804,132, G>A. VCF-style: chr10-99804132-G-A. GRCh37 (hg19) VCF-style: chr10-101563889-G-A.
Identifiers: ClinVar variation 2022263 (VCV002022263.4), dbSNP rs2492886789, ClinGen allele CA471261826.

ClinVar aggregate classification (germline): Uncertain significance (1 of 4 stars; one submission).

Submission:

Labcorp Genetics (formerly Invitae), Labcorp
Classification: Uncertain significance. Last evaluated: 2022-08-06. Review status: criteria provided, single submitter. Criteria: Invitae Variant Classification Sherloc (09022015). Collection method: clinical testing. Allele origin: germline.
Comment: In summary, the available evidence is currently insufficient to determine the role of this variant in disease. Therefore, it has been classified as a Variant of Uncertain Significance. Algorithms developed to predict the effect of sequence changes on RNA splicing suggest that this variant may create or strengthen a splice site. This variant has not been reported in the literature in individuals affected with ABCC2-related conditions. This variant is not present in population databases (gnomAD no frequency). This sequence change affects codon 441 of the ABCC2 mRNA. It is a 'silent' change, meaning that it does not change the encoded amino acid sequence of the ABCC2 protein.